The following is an entry in ClinVar:

NM_001184785.2(PARD3):c.3699C>T (p.Ser1233=)

Gene: PARD3 (par-3 family cell polarity regulator; minus strand). Cytogenetic location: 10p11.22.
Variant type: single nucleotide variant.
Coding change: c.3699C>T on transcript NM_001184785.2 (MANE Select); coding-DNA position 3699, C replaced by T.
Protein change: p.Ser1233=; no amino-acid change (serine 1233 retained).
Molecular consequence: synonymous variant.
Genome position (GRCh38, 1-based): chr10:34,111,532, G>A on the plus strand (C>T on the coding strand, the complement: PARD3 is on the minus strand). VCF-style: chr10-34111532-G-A. GRCh37 (hg19) VCF-style: chr10-34400460-G-A.
Other names: c.3660C>T, p.Ser1220= (NM_001184786.2); c.3597C>T, p.Ser1199= (NM_001184787.2); c.3570C>T, p.Ser1190= (NM_001184788.2); c.3459C>T, p.Ser1153= (NM_001184789.2); c.3438C>T, p.Ser1146= (NM_001184790.2); c.3372C>T, p.Ser1124= (NM_001184791.2); c.3708C>T, p.Ser1236= (NM_019619.4).
Identifiers: ClinVar variation 3052539 (VCV003052539.2), dbSNP rs374281684, ClinGen allele CA206126138.

ClinVar aggregate classification (germline): Likely benign (0 of 4 stars; one submission).

Conditions:
PARD3-related disorder. Also called: PARD3-related condition.

Allele frequency attached by ClinVar (database versions not stated): gnomAD 0.00002; TOPMed 0.00002; gnomAD exomes 0.00003; ESP Exome Variant Server 0.00008.
gnomAD v4.1: 43 of 1,600,688 alleles (0.0027%); highest among the groups gnomAD compares: Non-Finnish European, 0.0036%; no homozygotes.

Submission:

PreventionGenetics, part of Exact Sciences
Classification: Likely benign for PARD3-related condition. Last evaluated: 2019-08-28. Review status: no assertion criteria provided. Collection method: clinical testing. Allele origin: germline.
Comment: This variant is classified as likely benign based on ACMG/AMP sequence variant interpretation guidelines (Richards et al. 2015 PMID: 25741868, with internal and published modifications).